The following is an entry in ClinVar:

NM_001393769.1(MED12L):c.2165G>A (p.Arg722Lys)

Gene: MED12L (mediator complex subunit 12L; plus strand). Cytogenetic location: 3q25.1.
Variant type: single nucleotide variant.
Coding change: c.2165G>A on transcript NM_001393769.1 (MANE Select); coding-DNA position 2165, G replaced by A.
Protein change: p.Arg722Lys; replaces arginine 722 with lysine.
Molecular consequence: missense variant.
Genome position (GRCh38, 1-based): chr3:151,193,581, G>A. VCF-style: chr3-151193581-G-A. GRCh37 (hg19) VCF-style: chr3-150911368-G-A.
Other names: c.2060G>A, p.Arg687Lys (NM_053002.6); short protein forms R687K, R722K.
Identifiers: ClinVar variation 2428980 (VCV002428980.3), dbSNP rs2149108188, ClinGen allele CA354961899.
Genomic context (GRCh38, chr3:151,193,581, plus strand): 5'-AGAATGCCAACACTTCGTTGGGCAGAAGAATGTCAGTTAATTGTGAGAAGTTGGTGAAGA[G>A]GGAAAAGCCAAGGGAATTAATTTTTCCATCTAATTATGACCTCCTTCGCCACTTACAGTA-3'
Protein context (NP_001380698.1, residues 712-732): MSVNCEKLVK[Arg722Lys]EKPRELIFPS

ClinVar aggregate classification (germline): Uncertain significance (1 of 4 stars; one submission).

Submission:

GeneDx
Classification: Uncertain significance. Last evaluated: 2022-07-31. Review status: criteria provided, single submitter. Criteria: GeneDx Variant Classification Process June 2021. Collection method: clinical testing. Allele origin: germline. Affected: yes.
Comment: Not observed at significant frequency in large population cohorts (gnomAD); In silico analysis supports that this missense variant does not alter protein structure/function; Has not been previously published as pathogenic or benign to our knowledge